The following is an entry in ClinVar:

NM_004360.5(CDH1):c.536A>C (p.Lys179Thr)

Gene: CDH1 (cadherin 1; plus strand). Cytogenetic location: 16q22.1.
Variant type: single nucleotide variant.
Coding change: c.536A>C on transcript NM_004360.5 (MANE Select); coding-DNA position 536, A replaced by C.
Protein change: p.Lys179Thr; replaces lysine 179 with threonine.
Molecular consequence: missense variant. On other transcripts: 5 prime UTR variant (2).
Genome position (GRCh38, 1-based): chr16:68,808,697, A>C. VCF-style: chr16-68808697-A-C. GRCh37 (hg19) VCF-style: chr16-68842600-A-C.
Other names: c.536A>C, p.Lys179Thr (NM_001317184.2); c.-1080A>C (NM_001317185.2); c.-1284A>C (NM_001317186.2); short protein forms K179T.
Identifiers: ClinVar variation 5033995 (VCV005033995.1).

ClinVar aggregate classification (germline): Uncertain significance (1 of 4 stars; one submission).

Conditions:
Hereditary cancer-predisposing syndrome. Also called: Neoplastic Syndromes, Hereditary; Tumor predisposition; Hereditary neoplastic syndrome; Hereditary Cancer Syndrome. Identifiers: Orphanet 140162, MedGen C0027672, MeSH D009386, MONDO:0015356.

gnomAD v4.1: 1 of 1,614,038 alleles (0.000062%); highest among the groups gnomAD compares: Non-Finnish European, 0.000085%; no homozygotes.

Submission:

Ambry Genetics
Classification: Uncertain significance for Hereditary cancer-predisposing syndrome. Last evaluated: 2026-07-07. Review status: criteria provided, single submitter. Criteria: Ambry Variant Classification Scheme 2023. Collection method: clinical testing. Allele origin: germline.
Comment: The p.K179T variant (also known as c.536A>C), located in coding exon 5 of the CDH1 gene, results from an A to C substitution at nucleotide position 536. The lysine at codon 179 is replaced by threonine, an amino acid with similar properties. This amino acid position is conserved. In addition, the in silico prediction for this alteration is inconclusive. Based on the available evidence, the clinical significance of this variant remains unclear.